The following is an entry in ClinVar:

ClinVar aggregate classification (germline): Conflicting classifications of pathogenicity. Review status: criteria provided, conflicting classifications (1 of 4 stars). 3 submissions from 3 submitters: Uncertain significance (2); Likely benign (1). Last evaluated 2025-10-29.

Conditions:
Inborn genetic diseases. Identifiers: MedGen C0950123, MeSH D030342.

Allele frequency attached by ClinVar (database versions not stated): gnomAD 0.00005; TOPMed 0.00005; gnomAD exomes 0.00006 and 0.00008; ExAC 0.00008; ESP Exome Variant Server 0.00008.
gnomAD v4.1: 130 of 1,599,832 alleles (0.0081%); highest among the groups gnomAD compares: Middle Eastern, 0.077%; no homozygotes.

Submissions (3):

Labcorp Genetics (formerly Invitae), Labcorp
Classification: Likely benign. Last evaluated: 2025-10-29. Review status: criteria provided, single submitter. Criteria: Invitae Variant Classification Sherloc (09022015). Collection method: clinical testing. Allele origin: germline.

Ambry Genetics
Classification: Uncertain significance for Inborn genetic diseases. Last evaluated: 2023-01-17. Review status: criteria provided, single submitter. Criteria: Ambry Variant Classification Scheme 2023. Collection method: clinical testing. Allele origin: germline.

GeneDx
Classification: Uncertain significance. Last evaluated: 2021-02-18. Review status: criteria provided, single submitter. Criteria: GeneDx Variant Classification Process June 2021. Collection method: clinical testing. Allele origin: germline. Affected: yes.
Comment: Not observed at a significant frequency in large population cohorts (Lek et al., 2016); In silico analysis supports that this missense variant has a deleterious effect on protein structure/function; Has not been previously published as pathogenic or benign to our knowledge

NM_001184.4(ATR):c.3151C>T (p.Arg1051Cys)

Gene: ATR (ATR checkpoint kinase; minus strand). Cytogenetic location: 3q23.
Variant type: single nucleotide variant.
Coding change: c.3151C>T on transcript NM_001184.4 (MANE Select); coding-DNA position 3151, C replaced by T.
Protein change: p.Arg1051Cys; replaces arginine 1051 with cysteine.
Molecular consequence: missense variant.
Genome position (GRCh38, 1-based): chr3:142,549,499, G>A on the plus strand (C>T on the coding strand, the complement: ATR is on the minus strand). VCF-style: chr3-142549499-G-A. GRCh37 (hg19) VCF-style: chr3-142268341-G-A.
Other names: c.2959C>T, p.Arg987Cys (NM_001354579.2); short protein forms R1051C, R987C.
Identifiers: ClinVar variation 939529 (VCV000939529.13), dbSNP rs367641692, ClinGen allele CA2650202.